The following is an entry in ClinVar:

NM_002968.3(SALL1):c.928del (p.Ile310fs)

Gene: SALL1 (spalt like transcription factor 1; minus strand). Cytogenetic location: 16q12.1.
Variant type: Deletion.
Coding change: c.928del on transcript NM_002968.3 (MANE Select); coding-DNA position 928, one base deleted (A; older notation c.928delA).
Protein change: p.Ile310fs; shifts the reading frame from isoleucine 310.
Molecular consequence: frameshift variant.
Genome position (GRCh38, 1-based): chr16:51,141,294, T deleted on the plus strand (A on the coding strand, the reverse complement: SALL1 is on the minus strand). VCF-style (leftmost placement, unchanged base first): chr16-51141293-AT-A. GRCh37 (hg19) VCF-style: chr16-51175204-AT-A.
Other names: c.637del, p.Ile213fs (NM_001127892.2); short protein forms I310fs, I213fs.
Identifiers: ClinVar variation 3728154 (VCV003728154.2).

ClinVar aggregate classification (germline): Pathogenic (1 of 4 stars; one submission).

Conditions:
Townes syndrome (TBS). Also called: Townes-Brocks syndrome. Identifiers: Orphanet 857, MedGen C0265246, MeSH C536974, MONDO:0007142.

Submission:

Labcorp Genetics (formerly Invitae), Labcorp
Classification: Pathogenic for Townes syndrome. Last evaluated: 2024-12-27. Review status: criteria provided, single submitter. Criteria: Invitae Variant Classification Sherloc (09022015). Collection method: clinical testing. Allele origin: germline.
Comment: This sequence change creates a premature translational stop signal (p.Ile310Leufs*4) in the SALL1 gene. It is expected to result in an absent or disrupted protein product. Loss-of-function variants in SALL1 are known to be pathogenic (PMID: 9973281, 12915476, 16088922, 23069192). This variant is not present in population databases (gnomAD no frequency). This variant has not been reported in the literature in individuals affected with SALL1-related conditions. For these reasons, this variant has been classified as Pathogenic.

Literature cited by the submitters: PubMed 9973281; PubMed 12915476; PubMed 16088922; PubMed 23069192.